The following is an entry in ClinVar:

ClinVar aggregate classification (germline): Uncertain significance (1 of 4 stars; one submission).

Allele frequency attached by ClinVar (database versions not stated): gnomAD 0.00001; gnomAD exomes 0.00001; ExAC 0.00002; TOPMed 0.00003; ESP Exome Variant Server 0.00008.
gnomAD v4.1: 8 of 1,613,562 alleles (0.0005%); highest among the groups gnomAD compares: African/African-American, 0.0013%; no homozygotes.

Submission:

Labcorp Genetics (formerly Invitae), Labcorp
Classification: Uncertain significance. Last evaluated: 2021-12-02. Review status: criteria provided, single submitter. Criteria: Invitae Variant Classification Sherloc (09022015). Collection method: clinical testing. Allele origin: germline.
Comment: In summary, the available evidence is currently insufficient to determine the role of this variant in disease. Therefore, it has been classified as a Variant of Uncertain Significance. Advanced modeling of protein sequence and biophysical properties (such as structural, functional, and spatial information, amino acid conservation, physicochemical variation, residue mobility, and thermodynamic stability) performed at Invitae indicates that this missense variant is not expected to disrupt PCDH12 protein function. This variant has not been reported in the literature in individuals affected with PCDH12-related conditions. This variant is present in population databases (rs375993732, gnomAD 0.007%). This sequence change replaces arginine, which is basic and polar, with tryptophan, which is neutral and slightly polar, at codon 153 of the PCDH12 protein (p.Arg153Trp).

NM_016580.4(PCDH12):c.457C>T (p.Arg153Trp)

Genes: PCDH12 (protocadherin 12; minus strand), RNF14 (ring finger protein 14; plus strand). Cytogenetic location: 5q31.3.
Variant type: single nucleotide variant.
Coding change: c.457C>T on transcript NM_016580.4 (MANE Select); coding-DNA position 457, C replaced by T.
Protein change: p.Arg153Trp; replaces arginine 153 with tryptophan.
Molecular consequence: missense variant.
Genome position (GRCh38, 1-based): chr5:141,957,395, G>A on the plus strand (C>T on the coding strand, the complement: PCDH12 is on the minus strand). VCF-style: chr5-141957395-G-A. GRCh37 (hg19) VCF-style: chr5-141336960-G-A.
Other names: short protein forms R153W.
Identifiers: ClinVar variation 1425229 (VCV001425229.6), dbSNP rs375993732, ClinGen allele CA3484554.